The following is an entry in ClinVar:

NM_001458.5(FLNC):c.5579G>A (p.Arg1860His)

Genes: FLNC (filamin C; plus strand), FLNC-AS1 (FLNC antisense RNA 1; minus strand). Cytogenetic location: 7q32.1.
Variant type: single nucleotide variant.
Coding change: c.5579G>A on transcript NM_001458.5 (MANE Select); coding-DNA position 5579, G replaced by A.
Protein change: p.Arg1860His; replaces arginine 1860 with histidine.
Molecular consequence: missense variant.
Genome position (GRCh38, 1-based): chr7:128,851,271, G>A. VCF-style: chr7-128851271-G-A. GRCh37 (hg19) VCF-style: chr7-128491325-G-A.
Other names: c.5480G>A, p.Arg1827His (NM_001127487.2); short protein forms R1860H, R1827H.
Identifiers: ClinVar variation 423720 (VCV000423720.15), dbSNP rs1019973830, ClinGen allele CA16618354.

ClinVar aggregate classification (germline): Conflicting classifications of pathogenicity. Review status: criteria provided, conflicting classifications (1 of 4 stars). 4 submissions from 4 submitters: Uncertain significance (2); Likely benign (2). Last evaluated 2025-12-19.

Conditions:
Cardiovascular phenotype. Identifiers: MedGen CN230736.
Myofibrillar myopathy 5. Also called: Filaminopathy (type); FILAMINOPATHY, AUTOSOMAL DOMINANT. Identifiers: Orphanet 171445, MedGen C1836050, MONDO:0012289, OMIM 609524.
Hypertrophic cardiomyopathy 26. Also called: Cardiomyopathy, familial hypertrophic, 26. Identifiers: Orphanet 75249, MedGen C4310749, MONDO:0014883, OMIM 617047.
Distal myopathy with posterior leg and anterior hand involvement. Also called: WILLIAMS DISTAL MYOPATHY. Identifiers: Orphanet 63273, MedGen C3279722, MONDO:0013550, OMIM 614065.

Allele frequency attached by ClinVar (database versions not stated): gnomAD 0.00002; TOPMed 0.00001.
gnomAD v4.1: 18 of 1,613,936 alleles (0.0011%); highest among the groups gnomAD compares: African/African-American, 0.0027%; no homozygotes.

Submissions (4):

Labcorp Genetics (formerly Invitae), Labcorp
Classification: Likely benign for Distal myopathy with posterior leg and anterior hand involvement; Myofibrillar myopathy 5; Hypertrophic cardiomyopathy 26. Last evaluated: 2025-12-19. Review status: criteria provided, single submitter. Criteria: Invitae Variant Classification Sherloc (09022015). Collection method: clinical testing. Allele origin: germline.

Ambry Genetics
Classification: Likely benign for Cardiovascular phenotype. Last evaluated: 2025-11-26. Review status: criteria provided, single submitter. Criteria: Ambry Variant Classification Scheme 2023. Collection method: clinical testing. Allele origin: germline.

GeneDx
Classification: Uncertain significance. Last evaluated: 2024-08-27. Review status: criteria provided, single submitter. Criteria: GeneDx Variant Classification Process June 2021. Collection method: clinical testing. Allele origin: germline. Affected: yes.
Comment: Not observed at significant frequency in large population cohorts (gnomAD); In silico analysis indicates that this missense variant does not alter protein structure/function; Has not been previously published as pathogenic or benign to our knowledge

Revvity Omics, Revvity
Classification: Uncertain significance. Last evaluated: 2023-11-30. Review status: criteria provided, single submitter. Criteria: ACMG Guidelines, 2015. Collection method: clinical testing. Allele origin: germline.